The following is an entry in ClinVar:

ClinVar aggregate classification (germline): Likely benign (0 of 4 stars; one submission).

Conditions:
PNPO-related disorder. Also called: PNPO-related condition; PNPO-related disorders.

Submission:

PreventionGenetics, part of Exact Sciences
Classification: Likely benign for PNPO-related condition. Last evaluated: 2021-06-23. Review status: no assertion criteria provided. Collection method: clinical testing. Allele origin: germline.
Comment: This variant is classified as likely benign based on ACMG/AMP sequence variant interpretation guidelines (Richards et al. 2015 PMID: 25741868, with internal and published modifications).

NM_018129.4(PNPO):c.263+7A>G

Gene: PNPO (pyridoxamine 5'-phosphate oxidase; plus strand). Cytogenetic location: 17q21.32.
Variant type: single nucleotide variant.
Coding change: c.263+7A>G on transcript NM_018129.4 (MANE Select); 7 bases into the intron after coding-DNA position 263, A replaced by G.
Molecular consequence: intron variant.
Genome position (GRCh38, 1-based): chr17:47,943,437, A>G. VCF-style: chr17-47943437-A-G. GRCh37 (hg19) VCF-style: chr17-46020803-A-G.
Identifiers: ClinVar variation 3060786 (VCV003060786.2), dbSNP rs2509290437, ClinGen allele CA2740093775.
Genomic context (GRCh38, chr17:47,943,437, plus strand): 5'-TCAGTGTCCTGACATAGGGGAAGCCAATGCCATGTGTCTGGCTACCTGCACCAGGTGGGC[A>G]TGGCTGTGGGCCCCTCTTTGGGTGGATACATATGAACTAGGAAGCTTATGAAGCTCTCTA-3'